The following is an entry in ClinVar:

ClinVar aggregate classification (germline): Benign/Likely benign. Review status: criteria provided, multiple submitters, no conflicts (2 of 4 stars). 4 submissions from 4 submitters: Benign (1); Likely benign (3). Last evaluated 2025-07-29.

Conditions:
Hereditary cancer-predisposing syndrome. Also called: Tumor predisposition; Hereditary Cancer Syndrome; Hereditary neoplastic syndrome; Neoplastic Syndromes, Hereditary. Identifiers: Orphanet 140162, MedGen C0027672, MeSH D009386, MONDO:0015356.
Familial adenomatous polyposis 1 (FAP1). Also called: FAMILIAL ADENOMATOUS POLYPOSIS 1, ATTENUATED; POLYPOSIS, ADENOMATOUS INTESTINAL. Identifiers: MedGen C2713442, MONDO:0021056, OMIM 175100. Disease mechanism: loss of function.

Allele frequency attached by ClinVar (database versions not stated): TOPMed 0.00001; gnomAD 0.00003; 1000 Genomes Project 0.00020; 1000 Genomes Project 30x 0.00031.
gnomAD v4.1: 6 of 1,613,090 alleles (0.00037%); highest among the groups gnomAD compares: Non-Finnish European, 0.00051%; no homozygotes.

Submissions (4):

Labcorp Genetics (formerly Invitae), Labcorp
Classification: Likely benign for Familial adenomatous polyposis 1. Last evaluated: 2025-07-29. Review status: criteria provided, single submitter. Criteria: Invitae Variant Classification Sherloc (09022015). Collection method: clinical testing. Allele origin: germline.

Myriad Genetics, Inc.
Classification: Benign for Familial adenomatous polyposis 1. Last evaluated: 2024-03-22. Review status: criteria provided, single submitter. Criteria: Myriad Autosomal Dominant, Autosomal Recessive and X-Linked Classification Criteria (2023). Collection method: clinical testing. Allele origin: unknown.
Comment: This variant is considered benign. This variant is a silent/synonymous amino acid change and it is not expected to impact splicing.

Ambry Genetics
Classification: Likely benign for Hereditary cancer-predisposing syndrome. Last evaluated: 2019-09-24. Review status: criteria provided, single submitter. Criteria: Ambry Variant Classification Scheme 2023. Collection method: clinical testing. Allele origin: germline.

Color Diagnostics, LLC DBA Color Health
Classification: Likely benign for Hereditary cancer-predisposing syndrome. Last evaluated: 2017-11-01. Review status: criteria provided, single submitter. Criteria: ACMG Guidelines, 2015. Collection method: clinical testing. Allele origin: germline.

NM_000038.6(APC):c.3750A>G (p.Lys1250=)

Gene: APC (APC regulator of Wnt signaling pathway; plus strand). Cytogenetic location: 5q22.2.
Variant type: single nucleotide variant.
Coding change: c.3750A>G on transcript NM_000038.6 (MANE Select); coding-DNA position 3750, A replaced by G.
Protein change: p.Lys1250=; no amino-acid change (lysine 1250 retained).
Molecular consequence: synonymous variant.
Genome position (GRCh38, 1-based): chr5:112,839,344, A>G. VCF-style: chr5-112839344-A-G. GRCh37 (hg19) VCF-style: chr5-112175041-A-G.
Other names: c.3750A>G, p.Lys1250= (NM_001127510.3, NM_001354895.2); c.3696A>G, p.Lys1232= (NM_001127511.3); c.3804A>G, p.Lys1268= (NM_001354896.2); c.3780A>G, p.Lys1260= (NM_001354897.2); c.3675A>G, p.Lys1225= (NM_001354898.2); c.3666A>G, p.Lys1222= (NM_001354899.2); c.3627A>G, p.Lys1209= (NM_001354900.2); c.3573A>G, p.Lys1191= (NM_001354901.2); and 5 more.
Identifiers: ClinVar variation 411507 (VCV000411507.56), dbSNP rs142728143, ClinGen allele CA036537.